The following is an entry in ClinVar:

NM_004006.3(DMD):c.5941A>G (p.Thr1981Ala)

Gene: DMD (dystrophin; minus strand). Cytogenetic location: Xp21.1.
Variant type: single nucleotide variant.
Coding change: c.5941A>G on transcript NM_004006.3 (MANE Select); coding-DNA position 5941, A replaced by G.
Protein change: p.Thr1981Ala; replaces threonine 1981 with alanine.
Molecular consequence: missense variant.
Genome position (GRCh38, 1-based): chrX:32,310,258, T>C on the plus strand (A>G on the coding strand, the complement: DMD is on the minus strand). VCF-style: chrX-32310258-T-C. GRCh37 (hg19) VCF-style: chrX-32328375-T-C.
Other names: c.5917A>G, p.Thr1973Ala (NM_000109.4); c.5929A>G, p.Thr1977Ala (NM_004009.3); c.5572A>G, p.Thr1858Ala (NM_004010.3); c.1918A>G, p.Thr640Ala (NM_004011.4); c.1909A>G, p.Thr637Ala (NM_004012.4); short protein forms T1973A, T1977A, T640A, T1858A, T1981A, T637A.
Identifiers: ClinVar variation 1440107 (VCV001440107.6), dbSNP rs2097557010, ClinGen allele CA412670189.

ClinVar aggregate classification (germline): Uncertain significance (1 of 4 stars; one submission).

Conditions:
Duchenne muscular dystrophy (DMD). Also called: Duchenne Muscular Dystrophy (DMD); MUSCULAR DYSTROPHY, PSEUDOHYPERTROPHIC PROGRESSIVE, DUCHENNE TYPE. Identifiers: Orphanet 98896, MedGen C0013264, MONDO:0010679, OMIM 310200.

Submission:

Labcorp Genetics (formerly Invitae), Labcorp
Classification: Uncertain significance for Duchenne muscular dystrophy. Last evaluated: 2021-11-11. Review status: criteria provided, single submitter. Criteria: Invitae Variant Classification Sherloc (09022015). Collection method: clinical testing. Allele origin: germline.
Comment: This variant has not been reported in the literature in individuals affected with DMD-related conditions. This variant is not present in population databases (gnomAD no frequency). This sequence change replaces threonine, which is neutral and polar, with alanine, which is neutral and non-polar, at codon 1981 of the DMD protein (p.Thr1981Ala). Algorithms developed to predict the effect of missense changes on protein structure and function (SIFT, PolyPhen-2, Align-GVGD) all suggest that this variant is likely to be tolerated. In summary, the available evidence is currently insufficient to determine the role of this variant in disease. Therefore, it has been classified as a Variant of Uncertain Significance.